The following is an entry in ClinVar:

NM_000701.8(ATP1A1):c.1418G>T (p.Arg473Ile)

Genes: ATP1A1 (ATPase Na+/K+ transporting subunit alpha 1; plus strand), ATP1A1-AS1 (ATP1A1 antisense RNA 1; minus strand). Cytogenetic location: 1p13.1.
Variant type: single nucleotide variant.
Coding change: c.1418G>T on transcript NM_000701.8 (MANE Select); coding-DNA position 1418, G replaced by T.
Protein change: p.Arg473Ile; replaces arginine 473 with isoleucine.
Molecular consequence: missense variant. On other transcripts: non-coding transcript variant (1).
Genome position (GRCh38, 1-based): chr1:116,392,939, G>T. VCF-style: chr1-116392939-G-T. GRCh37 (hg19) VCF-style: chr1-116935561-G-T.
Other names: c.1418G>T, p.Arg473Ile (NM_001160233.2); c.1325G>T, p.Arg442Ile (NM_001160234.2); short protein forms R442I, R473I.
Identifiers: ClinVar variation 2824986 (VCV002824986.3), dbSNP rs2525849916, ClinGen allele CA341770490.

ClinVar aggregate classification (germline): Uncertain significance (1 of 4 stars; one submission).

Submission:

Labcorp Genetics (formerly Invitae), Labcorp
Classification: Uncertain significance. Last evaluated: 2024-01-16. Review status: criteria provided, single submitter. Criteria: Invitae Variant Classification Sherloc (09022015). Collection method: clinical testing. Allele origin: germline.
Comment: This sequence change replaces arginine, which is basic and polar, with isoleucine, which is neutral and non-polar, at codon 473 of the ATP1A1 protein (p.Arg473Ile). This variant is not present in population databases (gnomAD no frequency). This variant has not been reported in the literature in individuals affected with ATP1A1-related conditions. Advanced modeling of protein sequence and biophysical properties (such as structural, functional, and spatial information, amino acid conservation, physicochemical variation, residue mobility, and thermodynamic stability) performed at Invitae indicates that this missense variant is not expected to disrupt ATP1A1 protein function with a negative predictive value of 80%. In summary, the available evidence is currently insufficient to determine the role of this variant in disease. Therefore, it has been classified as a Variant of Uncertain Significance.